The following is an entry in ClinVar:

NM_014946.4(SPAST):c.1145G>T (p.Gly382Val)

Gene: SPAST (spastin; plus strand). Cytogenetic location: 2p22.3.
Variant type: single nucleotide variant.
Coding change: c.1145G>T on transcript NM_014946.4 (MANE Select); coding-DNA position 1145, G replaced by T.
Protein change: p.Gly382Val; replaces glycine 382 with valine.
Molecular consequence: missense variant.
Genome position (GRCh38, 1-based): chr2:32,126,994, G>T. VCF-style: chr2-32126994-G-T. GRCh37 (hg19) VCF-style: chr2-32352063-G-T.
Other names: c.1142G>T, p.Gly381Val (NM_001363823.2); c.1046G>T, p.Gly349Val (NM_001363875.2); c.1049G>T, p.Gly350Val (NM_001377959.1, NM_199436.2); short protein forms G350V, G381V, G382V, G349V.
Identifiers: ClinVar variation 4745277 (VCV004745277.1).

ClinVar aggregate classification (germline): Uncertain significance (1 of 4 stars; one submission).

Conditions:
Hereditary spastic paraplegia 4. Also called: Spastic paraplegia 4, autosomal dominant; Spastic Paraplegia 4; Familial spastic paraplegia autosomal dominant 2. Identifiers: Orphanet 100985, MedGen C1866855, MONDO:0008438, OMIM 182601.

Submission:

Labcorp Genetics (formerly Invitae), Labcorp
Classification: Uncertain significance for Hereditary spastic paraplegia 4. Last evaluated: 2025-02-27. Review status: criteria provided, single submitter. Criteria: Invitae Variant Classification Sherloc (09022015). Collection method: clinical testing. Allele origin: germline.
Comment: This sequence change replaces glycine, which is neutral and non-polar, with valine, which is neutral and non-polar, at codon 382 of the SPAST protein (p.Gly382Val). This variant is not present in population databases (gnomAD no frequency). This missense change has been observed in individuals with clinical features of hereditary spastic paraplegia (PMID: 36537231; internal data). Invitae Evidence Modeling of protein sequence and biophysical properties (such as structural, functional, and spatial information, amino acid conservation, physicochemical variation, residue mobility, and thermodynamic stability) indicates that this missense variant is expected to disrupt SPAST protein function with a positive predictive value of 80%. In summary, the available evidence is currently insufficient to determine the role of this variant in disease. Therefore, it has been classified as a Variant of Uncertain Significance.

Literature cited by the submitters: PubMed 36537231.